The following is an entry in ClinVar:

ClinVar aggregate classification (germline): Conflicting classifications of pathogenicity. Review status: criteria provided, conflicting classifications (1 of 4 stars). 4 submissions from 4 submitters: Uncertain significance (1); Benign (1); Likely benign (2). Last evaluated 2025-07-20.

Conditions:
Pityriasis rubra pilaris (PRP). Also called: Pityriasis rubra pilaris--familial type. Identifiers: Orphanet 2897, MedGen C0032027, MONDO:0100017, OMIM 173200, MONDO:0008251.
Autoinflammatory syndrome. Identifiers: Orphanet 93665, MedGen C3890737, MONDO:0019751.
Psoriasis 2. Identifiers: MedGen C1864497, MONDO:0011269, OMIM 602723.

Allele frequency attached by ClinVar (database versions not stated): gnomAD 0.00003 and 0.00037; TOPMed 0.00008; ExAC 0.00131; 1000 Genomes Project 30x 0.00234; 1000 Genomes Project 0.00280.
gnomAD v4.1: 858 of 1,614,014 alleles (0.053%); highest among the groups gnomAD compares: South Asian, 0.86%; 10 homozygotes.

Submissions (4):

Labcorp Genetics (formerly Invitae), Labcorp
Classification: Benign for Pityriasis rubra pilaris; Psoriasis 2. Last evaluated: 2025-07-20. Review status: criteria provided, single submitter. Criteria: Invitae Variant Classification Sherloc (09022015). Collection method: clinical testing. Allele origin: germline.

Blueprint Genetics
Classification: Likely benign. Last evaluated: 2024-08-12. Review status: criteria provided, single submitter. Criteria: ACMG Guidelines, 2015. Collection method: clinical testing. Allele origin: germline.

Genome Diagnostics Laboratory, The Hospital for Sick Children
Classification: Likely benign for Autoinflammatory syndrome. Last evaluated: 2021-10-28. Review status: criteria provided, single submitter. Criteria: ACMG Guidelines, 2015. Collection method: clinical testing. Allele origin: germline. Affected: yes.

Clinical Genomics, Uppaluri K&H Personalized Medicine Clinic
Classification: Uncertain significance for Pityriasis rubra pilaris. Review status: criteria provided, single submitter. Criteria: K &amp; H Uppaluri Personalized Medicine Clinic Variant Classification &amp; Assertion Criteria_Updated V.1. Collection method: clinical testing. Allele origin: germline. Inheritance: Autosomal dominant inheritance. Affected: yes. Observed: 1 heterozygote.
Comment: CARD14 is a scaffold protein that mediates NF-κB signal transduction in skin keratinocytes. Potent mutations in Card14 have been shown to be associated with familial pustular psoriasis and other cutaneous inflammatory conditions like Pytriasis rubra pilaris. However, the role of rs372790630 is yet to be ascertained.

Literature cited by the submitters: PubMed 31971603 (cited by Clinical Genomics, Uppaluri K&H Personalized Medicine Clinic); PubMed 22521419 (cited by Clinical Genomics, Uppaluri K&H Personalized Medicine Clinic); PubMed 26203641 (cited by Clinical Genomics, Uppaluri K&H Personalized Medicine Clinic); PubMed 36221432 (cited by Clinical Genomics, Uppaluri K&H Personalized Medicine Clinic); PubMed 36174714 (cited by Clinical Genomics, Uppaluri K&H Personalized Medicine Clinic).

NM_001366385.1(CARD14):c.2775C>T (p.Val925=)

Genes: CARD14 (caspase recruitment domain family member 14; plus strand), SGSH (N-sulfoglucosamine sulfohydrolase; minus strand). Cytogenetic location: 17q25.3.
Variant type: single nucleotide variant.
Coding change: c.2775C>T on transcript NM_001366385.1 (MANE Select); coding-DNA position 2775, C replaced by T.
Protein change: p.Val925=; no amino-acid change (valine 925 retained).
Molecular consequence: synonymous variant. On other transcripts: non-coding transcript variant (1).
Genome position (GRCh38, 1-based): chr17:80,207,053, C>T. VCF-style: chr17-80207053-C-T. GRCh37 (hg19) VCF-style: chr17-78180852-C-T.
Other names: c.2775C>T, p.Val925= (NM_024110.4).
Identifiers: ClinVar variation 527880 (VCV000527880.17), dbSNP rs372790630, ClinGen allele CA8817446.